The following is an entry in ClinVar:

NM_001457.4(FLNB):c.6017A>G (p.Lys2006Arg)

Gene: FLNB (filamin B; plus strand). Cytogenetic location: 3p14.3.
Variant type: single nucleotide variant.
Coding change: c.6017A>G on transcript NM_001457.4 (MANE Select); coding-DNA position 6017, A replaced by G.
Protein change: p.Lys2006Arg; replaces lysine 2006 with arginine.
Molecular consequence: missense variant.
Genome position (GRCh38, 1-based): chr3:58,148,778, A>G. VCF-style: chr3-58148778-A-G. GRCh37 (hg19) VCF-style: chr3-58134505-A-G.
Other names: c.6110A>G, p.Lys2037Arg (NM_001164317.2); c.5984A>G, p.Lys1995Arg (NM_001164318.2); c.5945A>G, p.Lys1982Arg (NM_001164319.2); short protein forms K2006R, K2037R, K1982R, K1995R.
Identifiers: ClinVar variation 258116 (VCV000258116.35), dbSNP rs62621996, ClinGen allele CA2469227.
Genomic context (GRCh38, chr3:58,148,778, plus strand): 5'-CCAACAGCCCCGTGTCTATCATGGTGGTCCAGTCGGAGATTGGTGACGCCCGCCGAGCCA[A>G]AGTCTATGGCCGCGGCCTGTCAGAAGGCCGGACTTTCGAGATGTCTGACTTCATCGTGGA-3'
Protein context (NP_001448.2, residues 1996-2016): QSEIGDARRA[Lys2006Arg]VYGRGLSEGR

ClinVar aggregate classification (germline): Benign/Likely benign. Review status: criteria provided, multiple submitters, no conflicts (2 of 4 stars). 11 submissions from 11 submitters: Benign (5); Likely benign (4). 2 of the submissions do not count toward it. Last evaluated 2026-02-04.

Conditions:
Atelosteogenesis type III. Also called: Atelosteogenesis Type 3 (FLNB-AO3). Identifiers: Orphanet 56305, MedGen C3668942, MONDO:0007168, OMIM 108721.
Atelosteogenesis type I. Also called: GIANT CELL CHONDRODYSPLASIA; SPONDYLOHUMEROFEMORAL HYPOPLASIA; Atelosteogenesis Type 1 (FLNB-AO1). Identifiers: Orphanet 1190, MedGen C0265283, MONDO:0007167, OMIM 108720.
Boomerang dysplasia. Identifiers: Orphanet 1263, MedGen C0432201, MONDO:0007208, OMIM 112310.
Spondylocarpotarsal synostosis syndrome (SCT). Also called: Spondylocarpotarsal Synostosis Syndrome (FLNB-SCT); Synspondylism congenital; Scoliosis, congenital with unilateral unsegmented bar; SPONDYLOCARPOTARSAL SYNDROME; VERTEBRAL FUSION WITH CARPAL COALITION. Identifiers: Orphanet 3275, MedGen C1848934, MONDO:0010094, OMIM 272460.
Larsen syndrome (LRS). Also called: Bilateral dislocation of the knees, pes cavus, cylindrically shaped fingers and characteristic facies; Larsen syndrome (FLNB-LS). Identifiers: Orphanet 503, MedGen C0175778, MONDO:0007875, OMIM 150250. Disease mechanism: loss of function.
Connective tissue disorder. Also called: Connective tissue disease. Identifiers: MedGen C0009782, MONDO:0003900.
FLNB-Related Spectrum Disorders.

Allele frequency attached by ClinVar (database versions not stated): 1000 Genomes Project 0.00699; 1000 Genomes Project 30x 0.00765; ExAC 0.00913; gnomAD 0.00966 and 0.00994; ESP Exome Variant Server 0.00984; gnomAD exomes 0.00998 and 0.01194; TOPMed 0.01113.
gnomAD v4.1: 18,911 of 1,613,994 alleles (1.2%); highest among the groups gnomAD compares: Admixed American, 2%; 140 homozygotes.

Submissions (11):

Labcorp Genetics (formerly Invitae), Labcorp
Classification: Benign. Last evaluated: 2026-02-04. Review status: criteria provided, single submitter. Criteria: Invitae Variant Classification Sherloc (09022015). Collection method: clinical testing. Allele origin: germline.

ARUP Laboratories, Molecular Genetics and Genomics, ARUP Laboratories
Classification: Benign. Last evaluated: 2025-05-15. Review status: criteria provided, single submitter. Criteria: ARUP Molecular Germline Variant Investigation Process 2024. Collection method: clinical testing. Allele origin: germline.

Blueprint Genetics
Classification: Likely benign. Last evaluated: 2024-11-26. Review status: criteria provided, single submitter. Criteria: ACMG Guidelines, 2015. Collection method: clinical testing. Allele origin: germline.

Genome Diagnostics Laboratory, The Hospital for Sick Children
Classification: Benign for Connective tissue disorder. Last evaluated: 2022-01-21. Review status: criteria provided, single submitter. Criteria: ACMG Guidelines, 2015. Collection method: clinical testing. Allele origin: germline.

Fulgent Genetics
Classification: Likely benign for Atelosteogenesis type I; Atelosteogenesis type III; Boomerang dysplasia; Larsen syndrome; Spondylocarpotarsal synostosis syndrome. Last evaluated: 2021-11-18. Review status: criteria provided, single submitter. Criteria: ACMG Guidelines, 2015. Collection method: clinical testing. Allele origin: unknown.

Illumina Laboratory Services, Illumina
Classification: Likely benign for FLNB-Related Spectrum Disorders. Last evaluated: 2018-01-13. Review status: criteria provided, single submitter. Criteria: ICSL Variant Classification Criteria 13 December 2019. Collection method: clinical testing. Allele origin: germline.
Comment: This variant was observed in the ICSL laboratory as part of a predisposition screen in an ostensibly healthy population. It had not been previously curated by ICSL or reported in the Human Gene Mutation Database (HGMD: prior to June 1st, 2018), and was therefore a candidate for classification through an automated scoring system. Utilizing variant allele frequency, disease prevalence and penetrance estimates, and inheritance mode, an automated score was calculated to assess if this variant is too frequent to cause the disease. Based on the score and internal cut-off values, a variant classified as likely benign is not then subjected to further curation. The score for this variant resulted in a classification of likely benign for this disease.

GeneDx
Classification: Benign. Last evaluated: 2017-04-17. Review status: criteria provided, single submitter. Criteria: GeneDx Variant Classification (06012015). Collection method: clinical testing. Allele origin: germline. Affected: yes.
Comment: This variant is considered likely benign or benign based on one or more of the following criteria: it is a conservative change, it occurs at a poorly conserved position in the protein, it is predicted to be benign by multiple in silico algorithms, and/or has population frequency not consistent with disease.

Breakthrough Genomics
Classification: Likely benign. Review status: criteria provided, single submitter. Criteria: ACMG Guidelines, 2015. Collection method: not provided. Allele origin: germline. Inheritance: Autosomal recessive inheritance. Affected: yes.

PreventionGenetics, part of Exact Sciences
Classification: Benign. Review status: criteria provided, single submitter. Criteria: ACMG Guidelines, 2015. Collection method: clinical testing. Allele origin: germline.

Genome Diagnostics Laboratory, Amsterdam University Medical Center
Classification: Benign. Review status: no assertion criteria provided. Collection method: clinical testing. Allele origin: germline. Affected: yes. Study: VKGL Data-share Consensus. Not counted in ClinVar's aggregate classification.

Laboratory of Diagnostic Genome Analysis, Leiden University Medical Center (LUMC)
Classification: Likely benign. Review status: no assertion criteria provided. Collection method: clinical testing. Allele origin: germline. Affected: yes. Study: VKGL Data-share Consensus. Not counted in ClinVar's aggregate classification.